The following is an entry in ClinVar:

ClinVar aggregate classification (germline): Benign (3 of 4 stars; one submission).

Conditions:
Breast-ovarian cancer, familial, susceptibility to, 2 (BROVCA2). Also called: BRCA2 Hereditary Breast and Ovarian Cancer. Identifiers: Orphanet 145, MedGen C2675520, MONDO:0012933, OMIM 612555. Disease mechanism: loss of function.

Allele frequency attached by ClinVar (database versions not stated): 1000 Genomes Project 0.18371; 1000 Genomes Project 30x 0.18535; TOPMed 0.20563; gnomAD 0.21493.
gnomAD v4.1: 31,102 of 152,132 alleles (20%); highest among the groups gnomAD compares: African/African-American, 25%; 3,379 homozygotes.

Submission:

Evidence-based Network for the Interpretation of Germline Mutant Alleles (ENIGMA)
Classification: Benign for Breast-ovarian cancer, familial 2. Last evaluated: 2015-01-12. Review status: reviewed by expert panel. Criteria: ENIGMA BRCA1/2 Classification Criteria (2015). Collection method: curation. Allele origin: germline.
Comment: Class 1 not pathogenic based on frequency >1% in an outbred sampleset. Frequency 0.06469 (Asian), 0.3191 (African), 0.2018 (European), derived from 1000 genomes (2012-04-30).

NM_000059.4(BRCA2):c.7008-3741C>A

Gene: BRCA2 (BRCA2 DNA repair associated; plus strand). Cytogenetic location: 13q13.1.
Variant type: single nucleotide variant.
Coding change: c.7008-3741C>A on transcript NM_000059.4 (MANE Select); 3741 bases into the intron before coding-DNA position 7008, C replaced by A.
Molecular consequence: intron variant.
Genome position (GRCh38, 1-based): chr13:32,351,120, C>A. VCF-style: chr13-32351120-C-A. GRCh37 (hg19) VCF-style: chr13-32925257-C-A.
Other names: IVS 13-3741C>A.
Identifiers: ClinVar variation 209740 (VCV000209740.1), dbSNP rs1853521, ClinGen allele CA276708.